The following is an entry in ClinVar:

NM_001378030.1(CCDC78):c.385C>A (p.Leu129Ile)

Gene: CCDC78 (coiled-coil domain containing 78; minus strand). Cytogenetic location: 16p13.3.
Variant type: single nucleotide variant.
Coding change: c.385C>A on transcript NM_001378030.1 (MANE Select); coding-DNA position 385, C replaced by A.
Protein change: p.Leu129Ile; replaces leucine 129 with isoleucine.
Molecular consequence: missense variant. On other transcripts: non-coding transcript variant (5), intron variant (1).
Genome position (GRCh38, 1-based): chr16:725,463, G>T on the plus strand (C>A on the coding strand, the complement: CCDC78 is on the minus strand). VCF-style: chr16-725463-G-T. GRCh37 (hg19) VCF-style: chr16-775463-G-T.
Other names: c.385C>A, p.Leu129Ile (NM_001031737.3, NM_001378031.1); c.-18-170C>A (NM_001378033.1); short protein forms L129I.
Identifiers: ClinVar variation 1979794 (VCV001979794.4), dbSNP rs760048138, ClinGen allele CA394103637.

ClinVar aggregate classification (germline): Uncertain significance (1 of 4 stars; one submission).

Conditions:
Congenital myopathy with internal nuclei and atypical cores. Also called: Myopathy, centronuclear, 4. Identifiers: Orphanet 319160, MedGen C4707232, MONDO:0013890, OMIM 614807.

Submission:

Labcorp Genetics (formerly Invitae), Labcorp
Classification: Uncertain significance for Congenital myopathy with internal nuclei and atypical cores. Last evaluated: 2023-10-03. Review status: criteria provided, single submitter. Criteria: Invitae Variant Classification Sherloc (09022015). Collection method: clinical testing. Allele origin: germline.
Comment: This sequence change replaces leucine, which is neutral and non-polar, with isoleucine, which is neutral and non-polar, at codon 129 of the CCDC78 protein (p.Leu129Ile). The frequency data for this variant in the population databases is considered unreliable, as metrics indicate poor data quality at this position in the gnomAD database. This variant has not been reported in the literature in individuals affected with CCDC78-related conditions. ClinVar contains an entry for this variant (Variation ID: 1979794). Advanced modeling of protein sequence and biophysical properties (such as structural, functional, and spatial information, amino acid conservation, physicochemical variation, residue mobility, and thermodynamic stability) performed at Invitae indicates that this missense variant is not expected to disrupt CCDC78 protein function. In summary, the available evidence is currently insufficient to determine the role of this variant in disease. Therefore, it has been classified as a Variant of Uncertain Significance.